The following is an entry in ClinVar:

ClinVar aggregate classification (germline): Uncertain significance (1 of 4 stars; one submission).

Conditions:
Marfan syndrome (MFS). Also called: MARFAN SYNDROME, TYPE I; Marfan syndrome type 1; Marfan's syndrome; Marfan syndrome, classic; FBN1-Related Marfan Syndrome. Identifiers: Orphanet 284963, Orphanet 558, MedGen C0024796, MONDO:0007947, OMIM 154700.
Familial thoracic aortic aneurysm and aortic dissection (TAAD). Also called: Thoracic aortic aneurysms and dissections. Identifiers: Orphanet 91387, MedGen C4707243, MONDO:0019625.

Submission:

Labcorp Genetics (formerly Invitae), Labcorp
Classification: Uncertain significance for Marfan syndrome; Familial thoracic aortic aneurysm and aortic dissection. Last evaluated: 2024-02-17. Review status: criteria provided, single submitter. Criteria: Invitae Variant Classification Sherloc (09022015). Collection method: clinical testing. Allele origin: germline.
Comment: This sequence change replaces aspartic acid, which is acidic and polar, with glycine, which is neutral and non-polar, at codon 1606 of the FBN1 protein (p.Asp1606Gly). This variant is not present in population databases (gnomAD no frequency). This variant has not been reported in the literature in individuals affected with FBN1-related conditions. An algorithm developed to predict the effect of missense changes on protein structure and function (PolyPhen-2) suggests that this variant is likely to be disruptive. In summary, the available evidence is currently insufficient to determine the role of this variant in disease. Therefore, it has been classified as a Variant of Uncertain Significance.

NM_000138.5(FBN1):c.4817A>G (p.Asp1606Gly)

Gene: FBN1 (fibrillin 1; minus strand). Cytogenetic location: 15q21.1.
Variant type: single nucleotide variant.
Coding change: c.4817A>G on transcript NM_000138.5 (MANE Select); coding-DNA position 4817, A replaced by G.
Protein change: p.Asp1606Gly; replaces aspartic acid 1606 with glycine.
Molecular consequence: missense variant.
Genome position (GRCh38, 1-based): chr15:48,465,693, T>C on the plus strand (A>G on the coding strand, the complement: FBN1 is on the minus strand). VCF-style: chr15-48465693-T-C. GRCh37 (hg19) VCF-style: chr15-48757890-T-C.
Other names: c.4817A>G, p.Asp1606Gly (NM_001406716.1); short protein forms D1606G.
Identifiers: ClinVar variation 3749062 (VCV003749062.2).
Genomic context (GRCh38, chr15:48,465,693, plus strand): 5'-AAGGTGTTGATACATTTTCCTCCTTGGCACAGCCCTGGTAGCTCCTGGCACTCATCAATA[T>C]CTATCAAAATCAAAACAAAGGCATTCCTTTAGCATTGTAAATAAACCCAAGGAAATTCAA-3'
Protein context (NP_000129.3, residues 1596-1616): RPNPITVILE[Asp1606Gly]IDECQELPGL